The following is an entry in ClinVar:

NM_173628.4(DNAH17):c.4343C>T (p.Thr1448Met)

Genes: DNAH17 (dynein axonemal heavy chain 17; minus strand), LOC126862654 (MED14-independent group 3 enhancer GRCh37_chr17:76502868-76504067; plus strand). Cytogenetic location: 17q25.3.
Variant type: single nucleotide variant.
Coding change: c.4343C>T on transcript NM_173628.4 (MANE Select); coding-DNA position 4343, C replaced by T.
Protein change: p.Thr1448Met; replaces threonine 1448 with methionine.
Molecular consequence: missense variant.
Genome position (GRCh38, 1-based): chr17:78,507,699, G>A on the plus strand (C>T on the coding strand, the complement: DNAH17 is on the minus strand). VCF-style: chr17-78507699-G-A. GRCh37 (hg19) VCF-style: chr17-76503781-G-A.
Other names: short protein forms T1448M.
Identifiers: ClinVar variation 2269296 (VCV002269296.27), dbSNP rs59690629, ClinGen allele CA8803790.
Genomic context (GRCh38, chr17:78,507,699, plus strand): 5'-AAGTGGGCCAGGTACTTGGACATCATCAGGTTCTGCAGCTGCACCTGGTTGTCCTCCAGC[G>A]TCTCCACCAGCACCTCGCTGGACTTGAGCATCATGGTGCCTGTCCGCGGGTGCGGCTCGT-3'
Protein context (NP_775899.3, residues 1438-1458): MLKSSEVLVE[Thr1448Met]LEDNQVQLQN

ClinVar aggregate classification (germline): Conflicting classifications of pathogenicity. Review status: criteria provided, conflicting classifications (1 of 4 stars). 3 submissions from 3 submitters: Uncertain significance (1); Likely benign (1). 1 of the submissions does not count toward it. Last evaluated 2025-07-01.

Conditions:
Inborn genetic diseases. Identifiers: MedGen C0950123, MeSH D030342.
DNAH17-related disorder. Also called: DNAH17-related condition.

Allele frequency attached by ClinVar (database versions not stated): ExAC 0.00076; 1000 Genomes Project 30x 0.00156; 1000 Genomes Project 0.00160; gnomAD 0.00244; TOPMed 0.00278; ESP Exome Variant Server 0.00287.
gnomAD v4.1: 791 of 1,610,238 alleles (0.049%); highest among the groups gnomAD compares: African/African-American, 0.77%; 1 homozygote.

Submissions (3):

CeGaT Center for Human Genetics Tuebingen
Classification: Likely benign. Last evaluated: 2025-07-01. Review status: criteria provided, single submitter. Criteria: CeGaT Center For Human Genetics Tuebingen Variant Classification Criteria Version 2. Collection method: clinical testing. Allele origin: germline. Affected: yes. Observed: 2 variant alleles.
Comment: DNAH17: BS2

Ambry Genetics
Classification: Uncertain significance for Inborn genetic diseases. Last evaluated: 2024-01-16. Review status: criteria provided, single submitter. Criteria: Ambry Variant Classification Scheme 2023. Collection method: clinical testing. Allele origin: germline.

PreventionGenetics, part of Exact Sciences
Classification: Benign for DNAH17-related condition. Last evaluated: 2020-01-13. Review status: no assertion criteria provided. Collection method: clinical testing. Allele origin: germline. Not counted in ClinVar's aggregate classification.
Comment: This variant is classified as benign based on ACMG/AMP sequence variant interpretation guidelines (Richards et al. 2015 PMID: 25741868, with internal and published modifications).